The following is an entry in ClinVar:

ClinVar aggregate classification (germline): Likely benign. Review status: criteria provided, multiple submitters, no conflicts (2 of 4 stars). 2 submissions from 2 submitters: Likely benign (2). Last evaluated 2026-01-26.

Allele frequency attached by ClinVar (database versions not stated): gnomAD exomes 0.00008; TOPMed 0.00008; ExAC 0.00010; gnomAD 0.00011; 1000 Genomes Project 0.00020; 1000 Genomes Project 30x 0.00031.

Submissions (2):

Labcorp Genetics (formerly Invitae), Labcorp
Classification: Likely benign. Last evaluated: 2026-01-26. Review status: criteria provided, single submitter. Criteria: Invitae Variant Classification Sherloc (09022015). Collection method: clinical testing. Allele origin: germline.

CeGaT Center for Human Genetics Tuebingen
Classification: Likely benign. Last evaluated: 2023-11-01. Review status: criteria provided, single submitter. Criteria: CeGaT Center For Human Genetics Tuebingen Variant Classification Criteria Version 2. Collection method: clinical testing. Allele origin: germline. Affected: yes. Observed: 1 variant allele.
Comment: SON: BP4

NM_138927.4(SON):c.3729G>A (p.Glu1243=)

Gene: SON (SON DNA and RNA binding protein; plus strand). Cytogenetic location: 21q22.11.
Variant type: single nucleotide variant.
Coding change: c.3729G>A on transcript NM_138927.4 (MANE Select); coding-DNA position 3729, G replaced by A.
Protein change: p.Glu1243=; no amino-acid change (glutamic acid 1243 retained).
Molecular consequence: synonymous variant. On other transcripts: non-coding transcript variant (1), intron variant (1).
Genome position (GRCh38, 1-based): chr21:33,552,960, G>A. VCF-style: chr21-33552960-G-A. GRCh37 (hg19) VCF-style: chr21-34925266-G-A.
Other names: c.3729G>A, p.Glu1243= (NM_001291411.2, NM_032195.3); c.245-4196G>A (NM_001291412.3).
Identifiers: ClinVar variation 733454 (VCV000733454.31), dbSNP rs558620447, ClinGen allele CA10009353.